The following is an entry in ClinVar:

NM_020297.4(ABCC9):c.2324C>A (p.Pro775His)

Gene: ABCC9 (ATP binding cassette subfamily C member 9; minus strand). Cytogenetic location: 12p12.1.
Variant type: single nucleotide variant.
Coding change: c.2324C>A on transcript NM_020297.4 (MANE Select); coding-DNA position 2324, C replaced by A.
Protein change: p.Pro775His; replaces proline 775 with histidine.
Molecular consequence: missense variant.
Genome position (GRCh38, 1-based): chr12:21,862,968, G>T on the plus strand (C>A on the coding strand, the complement: ABCC9 is on the minus strand). VCF-style: chr12-21862968-G-T. GRCh37 (hg19) VCF-style: chr12-22015902-G-T.
Other names: c.2324C>A, p.Pro775His (NM_001377273.1, NM_005691.4); c.1457C>A, p.Pro486His (NM_001377274.1); short protein forms P486H, P775H.
Identifiers: ClinVar variation 1174865 (VCV001174865.10), dbSNP rs796559062, ClinGen allele CA233605958.

ClinVar aggregate classification (germline): Uncertain significance. Review status: criteria provided, single submitter (1 of 4 stars). 3 submissions from 3 submitters: Uncertain significance (1). 2 of the submissions do not count toward it. Last evaluated 2023-10-13.

Conditions:
Dilated cardiomyopathy 1O (CMD1O). Also called: CARDIOMYOPATHY, DILATED, WITH VENTRICULAR TACHYCARDIA. Identifiers: Orphanet 154, MedGen C1837839, MONDO:0012062, OMIM 608569.

Allele frequency attached by ClinVar (database versions not stated): gnomAD exomes below 0.00001; gnomAD 0.00001; TOPMed 0.00001.
gnomAD v4.1: 6 of 1,608,204 alleles (0.00037%); highest among the groups gnomAD compares: Non-Finnish European, 0.00051%; no homozygotes.

Submissions (3):

Labcorp Genetics (formerly Invitae), Labcorp
Classification: Uncertain significance for Dilated cardiomyopathy 1O. Last evaluated: 2023-10-13. Review status: criteria provided, single submitter. Criteria: Invitae Variant Classification Sherloc (09022015). Collection method: clinical testing. Allele origin: germline.
Comment: This sequence change replaces proline, which is neutral and non-polar, with histidine, which is basic and polar, at codon 775 of the ABCC9 protein (p.Pro775His). This variant is not present in population databases (gnomAD no frequency). This variant has not been reported in the literature in individuals affected with ABCC9-related conditions. ClinVar contains an entry for this variant (Variation ID: 1174865). Advanced modeling of protein sequence and biophysical properties (such as structural, functional, and spatial information, amino acid conservation, physicochemical variation, residue mobility, and thermodynamic stability) has been performed at Invitae for this missense variant, however the output from this modeling did not meet the statistical confidence thresholds required to predict the impact of this variant on ABCC9 protein function. In summary, the available evidence is currently insufficient to determine the role of this variant in disease. Therefore, it has been classified as a Variant of Uncertain Significance.

Diagnostic Laboratory, Department of Genetics, University Medical Center Groningen
Classification: Uncertain significance. Review status: no assertion criteria provided. Collection method: clinical testing. Allele origin: germline. Affected: yes. Study: VKGL Data-share Consensus. Not counted in ClinVar's aggregate classification.

Genome Diagnostics Laboratory, University Medical Center Utrecht
Classification: Uncertain significance. Review status: no assertion criteria provided. Collection method: clinical testing. Allele origin: germline. Affected: yes. Study: VKGL Data-share Consensus. Not counted in ClinVar's aggregate classification.